The following is an entry in ClinVar:

NM_016816.4(OAS1):c.709G>A (p.Val237Ile)

Gene: OAS1 (2'-5'-oligoadenylate synthetase 1; plus strand). Cytogenetic location: 12q24.13.
Variant type: single nucleotide variant.
Coding change: c.709G>A on transcript NM_016816.4 (MANE Select); coding-DNA position 709, G replaced by A.
Protein change: p.Val237Ile; replaces valine 237 with isoleucine.
Molecular consequence: missense variant.
Genome position (GRCh38, 1-based): chr12:112,916,563, G>A. VCF-style: chr12-112916563-G-A. GRCh37 (hg19) VCF-style: chr12-113354368-G-A.
Other names: c.709G>A, p.Val237Ile (NM_001032409.3, NM_001320151.2, NM_002534.4); short protein forms V237I.
Identifiers: ClinVar variation 1000883 (VCV001000883.7), dbSNP rs2043459789, ClinGen allele CA386805277.
Genomic context (GRCh38, chr12:112,916,563, plus strand): 5'-TCTCAGTGTAAGAAGAAGCTTGGGAAGCTGCCACCTCAGTATGCCCTGGAGCTCCTGACG[G>A]TCTATGCTTGGGAGCGAGGGAGCATGAAAACACATTTCAACACAGCCCAGGGATTTCGGA-3'
Protein context (NP_058132.2, residues 227-247): PPQYALELLT[Val237Ile]YAWERGSMKT

ClinVar aggregate classification (germline): Uncertain significance (1 of 4 stars; one submission).

Allele frequency attached by ClinVar (database versions not stated): gnomAD exomes below 0.00001; gnomAD 0.00001; TOPMed 0.00001.

Submission:

Labcorp Genetics (formerly Invitae), Labcorp
Classification: Uncertain significance. Last evaluated: 2023-08-04. Review status: criteria provided, single submitter. Criteria: Invitae Variant Classification Sherloc (09022015). Collection method: clinical testing. Allele origin: germline.
Comment: This sequence change replaces valine, which is neutral and non-polar, with isoleucine, which is neutral and non-polar, at codon 237 of the OAS1 protein (p.Val237Ile). This variant is not present in population databases (gnomAD no frequency). This variant has not been reported in the literature in individuals affected with OAS1-related conditions. ClinVar contains an entry for this variant (Variation ID: 1000883). Algorithms developed to predict the effect of missense changes on protein structure and function output the following: SIFT: "Not Available"; PolyPhen-2: "Benign"; Align-GVGD: "Not Available". The isoleucine amino acid residue is found in multiple mammalian species, which suggests that this missense change does not adversely affect protein function. In summary, the available evidence is currently insufficient to determine the role of this variant in disease. Therefore, it has been classified as a Variant of Uncertain Significance.